The following is an entry in ClinVar:

NM_001160148.2(DDHD1):c.179G>A (p.Arg60His)

Gene: DDHD1 (DDHD domain containing 1; minus strand). Cytogenetic location: 14q22.1.
Variant type: single nucleotide variant.
Coding change: c.179G>A on transcript NM_001160148.2 (MANE Select); coding-DNA position 179, G replaced by A.
Protein change: p.Arg60His; replaces arginine 60 with histidine.
Molecular consequence: missense variant.
Genome position (GRCh38, 1-based): chr14:53,152,920, C>T on the plus strand (G>A on the coding strand, the complement: DDHD1 is on the minus strand). VCF-style: chr14-53152920-C-T. GRCh37 (hg19) VCF-style: chr14-53619638-C-T.
Other names: c.179G>A, p.Arg60His (NM_030637.3, NM_001160147.2); short protein forms R60H.
Identifiers: ClinVar variation 2195393 (VCV002195393.4), dbSNP rs1339949742, ClinGen allele CA389781513.

ClinVar aggregate classification (germline): Uncertain significance (1 of 4 stars; one submission).

Conditions:
Hereditary spastic paraplegia 28. Also called: Spastic paraplegia 28, autosomal recessive. Identifiers: Orphanet 101008, MedGen C1836295, MONDO:0012256, OMIM 609340.

Submission:

Labcorp Genetics (formerly Invitae), Labcorp
Classification: Uncertain significance for Hereditary spastic paraplegia 28. Last evaluated: 2022-03-31. Review status: criteria provided, single submitter. Criteria: Invitae Variant Classification Sherloc (09022015). Collection method: clinical testing. Allele origin: germline.
Comment: Algorithms developed to predict the effect of missense changes on protein structure and function are either unavailable or do not agree on the potential impact of this missense change (SIFT: "Deleterious"; PolyPhen-2: "Benign"; Align-GVGD: "Class C0"). This variant has not been reported in the literature in individuals affected with DDHD1-related conditions. The frequency data for this variant in the population databases is considered unreliable, as metrics indicate poor data quality at this position in the gnomAD database. This sequence change replaces arginine, which is basic and polar, with histidine, which is basic and polar, at codon 60 of the DDHD1 protein (p.Arg60His). In summary, the available evidence is currently insufficient to determine the role of this variant in disease. Therefore, it has been classified as a Variant of Uncertain Significance.